The following is an entry in ClinVar:

ClinVar aggregate classification (germline): Uncertain significance (1 of 4 stars; one submission).

Conditions:
Norman-Roberts syndrome (LIS2). Also called: Lissencephaly 2 (Norman-Roberts type). Identifiers: Orphanet 89844, MedGen C0796089, MONDO:0009760, OMIM 257320.
Familial temporal lobe epilepsy 7. Identifiers: Orphanet 101046, MedGen C4225327, MONDO:0014639, OMIM 616436.

Allele frequency attached by ClinVar (database versions not stated): gnomAD 0.00001.
gnomAD v4.1: 1 of 1,613,780 alleles (0.000062%); highest among the groups gnomAD compares: Non-Finnish European, 0.000085%; no homozygotes.

Submission:

Labcorp Genetics (formerly Invitae), Labcorp
Classification: Uncertain significance for Familial temporal lobe epilepsy 7; Norman-Roberts syndrome. Last evaluated: 2025-11-02. Review status: criteria provided, single submitter. Criteria: Invitae Variant Classification Sherloc (09022015). Collection method: clinical testing. Allele origin: germline.
Comment: This sequence change replaces glycine, which is neutral and non-polar, with arginine, which is basic and polar, at codon 1791 of the RELN protein (p.Gly1791Arg). This variant is not present in population databases (gnomAD no frequency). This variant has not been reported in the literature in individuals affected with RELN-related conditions. ClinVar contains an entry for this variant (Variation ID: 1495401). Invitae Evidence Modeling of protein sequence and biophysical properties (such as structural, functional, and spatial information, amino acid conservation, physicochemical variation, residue mobility, and thermodynamic stability) indicates that this missense variant is not expected to disrupt RELN protein function with a negative predictive value of 80%. In summary, the available evidence is currently insufficient to determine the role of this variant in disease. Therefore, it has been classified as a Variant of Uncertain Significance.

NM_005045.4(RELN):c.5371G>A (p.Gly1791Arg)

Gene: RELN (reelin; minus strand). Cytogenetic location: 7q22.1.
Variant type: single nucleotide variant.
Coding change: c.5371G>A on transcript NM_005045.4 (MANE Select); coding-DNA position 5371, G replaced by A.
Protein change: p.Gly1791Arg; replaces glycine 1791 with arginine.
Molecular consequence: missense variant.
Genome position (GRCh38, 1-based): chr7:103,561,690, C>T on the plus strand (G>A on the coding strand, the complement: RELN is on the minus strand). VCF-style: chr7-103561690-C-T. GRCh37 (hg19) VCF-style: chr7-103202137-C-T.
Other names: c.5371G>A, p.Gly1791Arg (NM_173054.3); short protein forms G1791R.
Identifiers: ClinVar variation 1495401 (VCV001495401.8), dbSNP rs1422208791, ClinGen allele CA368744158.